The following is an entry in ClinVar:

NM_001378452.1(ITPR1):c.6297T>C (p.Asn2099=)

Gene: ITPR1 (inositol 1,4,5-trisphosphate receptor type 1; plus strand). Cytogenetic location: 3p26.1.
Variant type: single nucleotide variant.
Coding change: c.6297T>C on transcript NM_001378452.1 (MANE Select); coding-DNA position 6297, T replaced by C.
Protein change: p.Asn2099=; no amino-acid change (asparagine 2099 retained).
Molecular consequence: synonymous variant.
Genome position (GRCh38, 1-based): chr3:4,779,555, T>C. VCF-style: chr3-4779555-T-C. GRCh37 (hg19) VCF-style: chr3-4821239-T-C.
Other names: c.6153T>C, p.Asn2051= (NM_001099952.4); c.6252T>C, p.Asn2084= (NM_001168272.2); c.6108T>C, p.Asn2036= (NM_002222.7).
Identifiers: ClinVar variation 2653457 (VCV002653457.24), dbSNP rs745621314, ClinGen allele CA2232557.

ClinVar aggregate classification (germline): Likely benign (1 of 4 stars; one submission).

Allele frequency attached by ClinVar (database versions not stated): TOPMed below 0.00001; gnomAD exomes 0.00001; ExAC 0.00002.
gnomAD v4.1: 3 of 1,611,230 alleles (0.00019%); highest among the groups gnomAD compares: East Asian, 0.0067%; no homozygotes.

Submission:

CeGaT Center for Human Genetics Tuebingen
Classification: Likely benign. Last evaluated: 2023-03-01. Review status: criteria provided, single submitter. Criteria: CeGaT Center For Human Genetics Tuebingen Variant Classification Criteria Version 2. Collection method: clinical testing. Allele origin: germline. Affected: yes. Observed: 1 variant allele.
Comment: ITPR1: BP4, BP7